The following is an entry in ClinVar:

NC_000014.8:g.(?_105172352)_(105181676_?)dup

Gene: INF2 (inverted formin 2; plus strand). Cytogenetic location: 14q32.33.
Variant type: Duplication.
Identifiers: ClinVar variation 2426766 (VCV002426766.4).

ClinVar aggregate classification (germline): Uncertain significance (1 of 4 stars; one submission).

Conditions:
Charcot-Marie-Tooth disease dominant intermediate E. Also called: CHARCOT-MARIE-TOOTH NEUROPATHY WITH FOCAL SEGMENTAL GLOMERULONEPHRITIS. Identifiers: Orphanet 93114, MedGen C4302667, MONDO:0013758, OMIM 614455.
Focal segmental glomerulosclerosis 5 (FSGS5). Identifiers: Orphanet 656, MedGen C2750475, MONDO:0013191, OMIM 613237.

Submission:

Labcorp Genetics (formerly Invitae), Labcorp
Classification: Uncertain significance for Charcot-Marie-Tooth disease dominant intermediate E; Focal segmental glomerulosclerosis 5. Last evaluated: 2022-07-07. Review status: criteria provided, single submitter. Criteria: Invitae Variant Classification Sherloc (09022015). Collection method: clinical testing. Allele origin: germline.
Comment: In summary, the available evidence is currently insufficient to determine the role of this variant in disease. Therefore, it has been classified as a Variant of Uncertain Significance. This variant has not been reported in the literature in individuals affected with INF2-related conditions. This variant results in a copy number gain of the genomic region encompassing exon(s) 6-22 of the INF2 gene. This region includes the termination codon of the gene. This copy number gain extends beyond the assayed region for this gene and therefore may encompass additional genes. As the precise location of this event is unknown, it may be in tandem or it may be located elsewhere in the genome.